The following is an entry in ClinVar:

ClinVar aggregate classification (germline): Uncertain significance (1 of 4 stars; one submission).

Conditions:
Long QT syndrome (LQTS). Identifiers: MedGen C0023976, MeSH D008133, MONDO:0002442. Disease mechanism: loss of function. Inheritance: Various modes of inheritance.

Submission:

Labcorp Genetics (formerly Invitae), Labcorp
Classification: Uncertain significance for Long QT syndrome. Last evaluated: 2021-07-07. Review status: criteria provided, single submitter. Criteria: Invitae Variant Classification Sherloc (09022015). Collection method: clinical testing. Allele origin: germline.
Comment: This sequence change replaces histidine with arginine at codon 436 of the ANK2 protein (p.His436Arg). The histidine residue is highly conserved and there is a small physicochemical difference between histidine and arginine. This variant is not present in population databases (ExAC no frequency). This variant has not been reported in the literature in individuals affected with ANK2-related conditions. Algorithms developed to predict the effect of missense changes on protein structure and function are either unavailable or do not agree on the potential impact of this missense change (SIFT: "Deleterious"; PolyPhen-2: "Possibly Damaging"; Align-GVGD: "Class C0"). In summary, the available evidence is currently insufficient to determine the role of this variant in disease. Therefore, it has been classified as a Variant of Uncertain Significance.

NM_001148.6(ANK2):c.1307A>G (p.His436Arg)

Gene: ANK2 (ankyrin 2; plus strand). Cytogenetic location: 4q26.
Variant type: single nucleotide variant.
Coding change: c.1307A>G on transcript NM_001148.6 (MANE Select); coding-DNA position 1307, A replaced by G.
Protein change: p.His436Arg; replaces histidine 436 with arginine.
Molecular consequence: missense variant. On other transcripts: intron variant (5).
Genome position (GRCh38, 1-based): chr4:113,258,332, A>G. VCF-style: chr4-113258332-A-G. GRCh37 (hg19) VCF-style: chr4-114179488-A-G.
Other names: c.1244A>G, p.His415Arg (NM_001354253.2, NM_001354254.2, NM_001354255.2 and 14 more transcripts); c.1307A>G, p.His436Arg (NM_001354258.2, NM_020977.5, NM_001354225.2 and 8 more transcripts); c.1220A>G, p.His407Arg (NM_001354260.2, NM_001354264.2, NM_001354276.2 and 13 more transcripts); c.1265A>G, p.His422Arg (NM_001354261.2, NM_001386147.1, NM_001386160.1); c.1352A>G, p.His451Arg (NM_001386144.1, NM_001354230.2, NM_001354231.2 and 5 more transcripts); c.1295A>G, p.His432Arg (NM_001386148.2, NM_001386186.2); c.1271A>G, p.His424Arg (NM_001386187.2); c.1176+2400A>G (NM_001354269.3); and 4 more; short protein forms H424R, H451R, H422R, H432R, H407R, H415R, H436R, H445R.
Identifiers: ClinVar variation 1503130 (VCV001503130.8), dbSNP rs2050662885, ClinGen allele CA357927921.